The following is an entry in ClinVar:

ClinVar aggregate classification (germline): Uncertain significance. Review status: criteria provided, multiple submitters, no conflicts (2 of 4 stars). 2 submissions from 2 submitters: Uncertain significance (2). Last evaluated 2020-08-25.

Conditions:
Progressive familial heart block type IB (PFHB1B). Identifiers: Orphanet 871, MedGen C1970298, MONDO:0011474, OMIM 604559.

Allele frequency attached by ClinVar (database versions not stated): TOPMed below 0.00001; gnomAD 0.00001.
gnomAD v4.1: 1 of 1,588,986 alleles (0.000063%); highest among the groups gnomAD compares: Non-Finnish European, 0.000086%; no homozygotes.

Submissions (2):

Labcorp Genetics (formerly Invitae), Labcorp
Classification: Uncertain significance for Progressive familial heart block type IB. Last evaluated: 2020-08-25. Review status: criteria provided, single submitter. Criteria: Invitae Variant Classification Sherloc (09022015). Collection method: clinical testing. Allele origin: germline.
Comment: The current clinical and genetic evidence is not sufficient to establish whether loss-of-function variants in TRPM4 cause disease. In summary, the available evidence is currently insufficient to determine the role of this variant in disease. Therefore, it has been classified as a Variant of Uncertain Significance. Algorithms developed to predict the effect of sequence changes on RNA splicing suggest that this variant may disrupt the consensus splice site, but this prediction has not been confirmed by published transcriptional studies. This variant has not been reported in the literature in individuals with TRPM4-related conditions. This variant is not present in population databases (ExAC no frequency). This sequence change affects a donor splice site in intron 11 of the TRPM4 gene. It is expected to disrupt RNA splicing and likely results in an absent or disrupted protein product.

Institute of Human Genetics, University of Leipzig Medical Center
Classification: Uncertain significance for Progressive familial heart block type IB. Last evaluated: 2019-02-12. Review status: criteria provided, single submitter. Criteria: ACMG Guidelines, 2015. Collection method: clinical testing. Allele origin: germline. Affected: yes. Observed: 1 variant allele.

NM_017636.4(TRPM4):c.1608+1G>C

Gene: TRPM4 (transient receptor potential cation channel subfamily M member 4; plus strand). Cytogenetic location: 19q13.33.
Variant type: single nucleotide variant.
Coding change: c.1608+1G>C on transcript NM_017636.4 (MANE Select); the canonical splice donor site of the intron after coding-DNA position 1608, G replaced by C.
Molecular consequence: splice donor variant. On other transcripts: intron variant (1).
Genome position (GRCh38, 1-based): chr19:49,182,923, G>C. VCF-style: chr19-49182923-G-C. GRCh37 (hg19) VCF-style: chr19-49686180-G-C.
Other names: c.1608+1G>C (NM_001195227.2); c.-1+56G>C (NM_001321282.2); c.1263+1G>C (NM_001321281.2); c.1086+1G>C (NM_001321283.2); c.546+1G>C (NM_001321285.2).
Identifiers: ClinVar variation 976332 (VCV000976332.8), dbSNP rs761126191, ClinGen allele CA406800079.